The following is an entry in ClinVar:

ClinVar aggregate classification (germline): Uncertain significance (1 of 4 stars; one submission).

Conditions:
Hypertrophic cardiomyopathy. Also called: HYPERTROPHIC MYOCARDIOPATHY. Identifiers: Orphanet 217569, MedGen C0007194, MeSH D002312, MONDO:0005045, HP:0001639.

Submission:

Labcorp Genetics (formerly Invitae), Labcorp
Classification: Uncertain significance for Hypertrophic cardiomyopathy. Last evaluated: 2023-03-21. Review status: criteria provided, single submitter. Criteria: Invitae Variant Classification Sherloc (09022015). Collection method: clinical testing. Allele origin: germline.
Comment: This sequence change replaces alanine, which is neutral and non-polar, with serine, which is neutral and polar, at codon 1828 of the MYH7 protein (p.Ala1828Ser). This variant is not present in population databases (gnomAD no frequency). This variant has not been reported in the literature in individuals affected with MYH7-related conditions. ClinVar contains an entry for this variant (Variation ID: 1950336). Advanced modeling of protein sequence and biophysical properties (such as structural, functional, and spatial information, amino acid conservation, physicochemical variation, residue mobility, and thermodynamic stability) performed at Invitae indicates that this missense variant is not expected to disrupt MYH7 protein function. In summary, the available evidence is currently insufficient to determine the role of this variant in disease. Therefore, it has been classified as a Variant of Uncertain Significance.

NM_000257.4(MYH7):c.5482G>T (p.Ala1828Ser)

Gene: MYH7 (myosin heavy chain 7; minus strand). Cytogenetic location: 14q11.2.
Variant type: single nucleotide variant.
Coding change: c.5482G>T on transcript NM_000257.4 (MANE Select); coding-DNA position 5482, G replaced by T.
Protein change: p.Ala1828Ser; replaces alanine 1828 with serine.
Molecular consequence: missense variant.
Genome position (GRCh38, 1-based): chr14:23,415,072, C>A on the plus strand (G>T on the coding strand, the complement: MYH7 is on the minus strand). VCF-style: chr14-23415072-C-A. GRCh37 (hg19) VCF-style: chr14-23884281-C-A.
Other names: c.5482G>T, p.Ala1828Ser (NM_001407004.1); short protein forms A1828S.
Identifiers: ClinVar variation 1950336 (VCV001950336.5), dbSNP rs886050415, ClinGen allele CA389035188.
Genomic context (GRCh38, chr14:23,415,072, plus strand): 5'-TGATGCGCCGCTCGCTCTTCCTCATGCCCTTCACCGACTCTGCGTTGCGCTTCTGCTCGG[C>A]CTCCAGCTCATTCTCCAGCTCCCGCACCCGCGCTTCCAGCTTCTGCAGCTGCTTCTTGCC-3'
Protein context (NP_000248.2, residues 1818-1838): RVRELENELE[Ala1828Ser]EQKRNAESVK